The following is an entry in ClinVar:

ClinVar aggregate classification (germline): Pathogenic (1 of 4 stars; one submission).

Conditions:
Methylmalonic aciduria, cblA type (MACA). Also called: Vitamin B12-responsive methylmalonic acidemia type cblA; Methylmalonic aciduria, vitamin b12-responsive, due to defect in synthesis of adenosylcobalamin, cbla complementation type; MMA cbl A type; Methylmalonic acidemia cblA type; Methylmalonic aciduria, vitamin B12-responsive. Identifiers: Orphanet 28, Orphanet 79310, MedGen C1855109, MONDO:0009613, OMIM 251100.

Submission:

Labcorp Genetics (formerly Invitae), Labcorp
Classification: Pathogenic for Methylmalonic aciduria, cblA type. Last evaluated: 2023-04-28. Review status: criteria provided, single submitter. Criteria: Invitae Variant Classification Sherloc (09022015). Collection method: clinical testing. Allele origin: germline.
Comment: This sequence change creates a premature translational stop signal (p.Asp284Valfs*3) in the MMAA gene. It is expected to result in an absent or disrupted protein product. Loss-of-function variants in MMAA are known to be pathogenic (PMID: 15523652, 15781192). This variant is not present in population databases (gnomAD no frequency). This variant has not been reported in the literature in individuals affected with MMAA-related conditions. For these reasons, this variant has been classified as Pathogenic.

Literature cited by the submitters: PubMed 15523652; PubMed 15781192.

NM_172250.3(MMAA):c.851del (p.Asp284fs)

Gene: MMAA (metabolism of cobalamin associated A; plus strand). Cytogenetic location: 4q31.21.
Variant type: Deletion.
Coding change: c.851del on transcript NM_172250.3 (MANE Select); coding-DNA position 851, one base deleted (A; older notation c.851delA).
Protein change: p.Asp284fs; shifts the reading frame from aspartic acid 284.
Molecular consequence: frameshift variant.
Genome position (GRCh38, 1-based): chr4:145,654,025, A deleted. VCF-style (leftmost placement, unchanged base first): chr4-145654024-GA-G. GRCh37 (hg19) VCF-style: chr4-146575176-GA-G.
Other names: c.851del, p.Asp284fs (NM_001375644.1); short protein forms D284fs.
Identifiers: ClinVar variation 2859780 (VCV002859780.3), dbSNP rs2546344826, ClinGen allele CA2739270304.